The following is an entry in ClinVar:

ClinVar aggregate classification (germline): Uncertain significance (1 of 4 stars; one submission).

gnomAD v4.1: 1 of 1,607,288 alleles (0.000062%); no homozygotes.

Submission:

Labcorp Genetics (formerly Invitae), Labcorp
Classification: Uncertain significance. Last evaluated: 2024-04-29. Review status: criteria provided, single submitter. Criteria: Invitae Variant Classification Sherloc (09022015). Collection method: clinical testing. Allele origin: germline.
Comment: This sequence change replaces glycine, which is neutral and non-polar, with serine, which is neutral and polar, at codon 27 of the CDH2 protein (p.Gly27Ser). The frequency data for this variant in the population databases is considered unreliable, as metrics indicate poor data quality at this position in the gnomAD database. This variant has not been reported in the literature in individuals affected with CDH2-related conditions. An algorithm developed to predict the effect of missense changes on protein structure and function (PolyPhen-2) suggests that this variant is likely to be tolerated. In summary, the available evidence is currently insufficient to determine the role of this variant in disease. Therefore, it has been classified as a Variant of Uncertain Significance.

NM_001792.5(CDH2):c.79G>A (p.Gly27Ser)

Gene: CDH2 (cadherin 2; minus strand). Cytogenetic location: 18q12.1.
Variant type: single nucleotide variant.
Coding change: c.79G>A on transcript NM_001792.5 (MANE Select); coding-DNA position 79, G replaced by A.
Protein change: p.Gly27Ser; replaces glycine 27 with serine.
Molecular consequence: missense variant.
Genome position (GRCh38, 1-based): chr18:28,147,766, C>T on the plus strand (G>A on the coding strand, the complement: CDH2 is on the minus strand). VCF-style: chr18-28147766-C-T. GRCh37 (hg19) VCF-style: chr18-25727730-C-T.
Other names: short protein forms G27S.
Identifiers: ClinVar variation 3621356 (VCV003621356.2).
Genomic context (GRCh38, chr18:28,147,766, plus strand): 5'-TCGATAAGACTGCACTGTAAACATCTTCAGGAAATCCAGTCTTGCATAATGCGATTTCAC[C>T]AGAAGCCTCTACAGACGCCTGCAACACAAGAAAAAAAAAAAAAATGTGTGCAATGATTGC-3'
Protein context (NP_001783.2, residues 17-37): ALLQASVEAS[Gly27Ser]EIALCKTGFP